The following is an entry in ClinVar:

ClinVar aggregate classification (germline): Likely benign. Review status: criteria provided, multiple submitters, no conflicts (2 of 4 stars). 2 submissions from 2 submitters: Likely benign (2). Last evaluated 2021-06-18.

Allele frequency attached by ClinVar (database versions not stated): gnomAD 0.00001; TOPMed 0.00001; gnomAD exomes 0.00002.

Submissions (2):

Blueprint Genetics
Classification: Likely benign. Last evaluated: 2021-06-18. Review status: criteria provided, single submitter. Criteria: ACMG Guidelines, 2015. Collection method: clinical testing. Allele origin: germline.

GeneDx
Classification: Likely benign. Last evaluated: 2016-10-05. Review status: criteria provided, single submitter. Criteria: GeneDx Variant Classification (06012015). Collection method: clinical testing. Allele origin: germline. Affected: yes.
Comment: This variant is considered likely benign or benign based on one or more of the following criteria: it is a conservative change, it occurs at a poorly conserved position in the protein, it is predicted to be benign by multiple in silico algorithms, and/or has population frequency not consistent with disease.

NM_001042492.3(NF1):c.730+16dup

Gene: NF1 (neurofibromin 1; plus strand). Cytogenetic location: 17q11.2.
Variant type: Duplication.
Coding change: c.730+16dup on transcript NM_001042492.3 (MANE Select); 16 bases into the intron after coding-DNA position 730, one base duplicated (A; older notation c.730+16dupA).
Molecular consequence: intron variant.
Genome position (GRCh38, 1-based): chr17:31,181,801, A duplicated. VCF-style (leftmost placement, unchanged base first): chr17-31181800-G-GA. GRCh37 (hg19) VCF-style: chr17-29508818-G-GA.
Other names: c.730+16dupA (NM_000267.3); c.730+16dup (NM_000267.4, NM_001128147.3).
Identifiers: ClinVar variation 322568 (VCV000322568.6), dbSNP rs373999174, ClinGen allele CA10645292.